The following is an entry in ClinVar:

ClinVar aggregate classification (germline): Pathogenic (1 of 4 stars; one submission).

Submission:

Labcorp Genetics (formerly Invitae), Labcorp
Classification: Pathogenic. Last evaluated: 2021-11-06. Review status: criteria provided, single submitter. Criteria: Invitae Variant Classification Sherloc (09022015). Collection method: clinical testing. Allele origin: germline.
Comment: This sequence change creates a premature translational stop signal (p.Gln374Alafs*101) in the PRPF31 gene. While this is not anticipated to result in nonsense mediated decay, it is expected to disrupt the last 126 amino acid(s) of the PRPF31 protein. This variant is not present in population databases (gnomAD no frequency). This premature translational stop signal has been observed in individual(s) with retinitis pigmentosa (Invitae). This variant disrupts a region of the PRPF31 protein in which other variant(s) (p.Gln409Alafs*66) have been determined to be pathogenic (PMID: 30360737). This suggests that this is a clinically significant region of the protein, and that variants that disrupt it are likely to be disease-causing. For these reasons, this variant has been classified as Pathogenic.

Literature cited by the submitters: PubMed 30360737.

NM_015629.4(PRPF31):c.1118dup (p.Gln374fs)

Gene: PRPF31 (pre-mRNA processing factor 31; plus strand). Cytogenetic location: 19q13.42.
Variant type: Duplication.
Coding change: c.1118dup on transcript NM_015629.4 (MANE Select); coding-DNA position 1118, one base duplicated (A; older notation c.1118dupA).
Protein change: p.Gln374fs; shifts the reading frame from glutamine 374.
Molecular consequence: frameshift variant.
Genome position (GRCh38, 1-based): chr19:54,128,349, A duplicated; the last of 2 consecutive A bases (chr19:54,128,348-54,128,349); duplicating either gives the same sequence. VCF-style (leftmost placement, unchanged base first): chr19-54128347-G-GA. GRCh37 (hg19) VCF-style: chr19-54631722-G-GA.
Other names: short protein forms Q374fs.
Identifiers: ClinVar variation 1454937 (VCV001454937.6), dbSNP rs2146445759, ClinGen allele CA2573156664.